The following is an entry in ClinVar:

NM_030780.5(SLC25A32):c.529G>C (p.Glu177Gln)

Gene: SLC25A32 (solute carrier family 25 member 32; minus strand). Cytogenetic location: 8q22.3.
Variant type: single nucleotide variant.
Coding change: c.529G>C on transcript NM_030780.5 (MANE Select); coding-DNA position 529, G replaced by C.
Protein change: p.Glu177Gln; replaces glutamic acid 177 with glutamine.
Molecular consequence: missense variant. On other transcripts: non-coding transcript variant (2).
Genome position (GRCh38, 1-based): chr8:103,403,187, C>G on the plus strand (G>C on the coding strand, the complement: SLC25A32 is on the minus strand). VCF-style: chr8-103403187-C-G. GRCh37 (hg19) VCF-style: chr8-104415415-C-G.
Other names: short protein forms E177Q.
Identifiers: ClinVar variation 4760217 (VCV004760217.1).

ClinVar aggregate classification (germline): Uncertain significance (1 of 4 stars; one submission).

Submission:

Labcorp Genetics (formerly Invitae), Labcorp
Classification: Uncertain significance. Last evaluated: 2025-06-02. Review status: criteria provided, single submitter. Criteria: Invitae Variant Classification Sherloc (09022015). Collection method: clinical testing. Allele origin: germline.
Comment: This sequence change replaces glutamic acid, which is acidic and polar, with glutamine, which is neutral and polar, at codon 177 of the SLC25A32 protein (p.Glu177Gln). This variant is not present in population databases (gnomAD no frequency). This variant has not been reported in the literature in individuals affected with SLC25A32-related conditions. Invitae Evidence Modeling of protein sequence and biophysical properties (such as structural, functional, and spatial information, amino acid conservation, physicochemical variation, residue mobility, and thermodynamic stability) indicates that this missense variant is expected to disrupt SLC25A32 protein function with a positive predictive value of 80%. In summary, the available evidence is currently insufficient to determine the role of this variant in disease. Therefore, it has been classified as a Variant of Uncertain Significance.